The following is an entry in ClinVar:

NM_018129.4(PNPO):c.421C>T (p.Arg141Cys)

Gene: PNPO (pyridoxamine 5'-phosphate oxidase; plus strand). Cytogenetic location: 17q21.32.
Variant type: single nucleotide variant.
Coding change: c.421C>T on transcript NM_018129.4 (MANE Select); coding-DNA position 421, C replaced by T.
Protein change: p.Arg141Cys; replaces arginine 141 with cysteine.
Molecular consequence: missense variant.
Genome position (GRCh38, 1-based): chr17:47,945,864, C>T. VCF-style: chr17-47945864-C-T. GRCh37 (hg19) VCF-style: chr17-46023230-C-T.
Other names: short protein forms R141C.
Identifiers: ClinVar variation 2138063 (VCV002138063.8), dbSNP rs776630880, ClinGen allele CA8629191.
Genomic context (GRCh38, chr17:47,945,864, plus strand): 5'-CTGGTAGGGAGGGCAGGTGGCATTTAATGCCATTCACCCAGAGCCATCCCTGAGCAGGTG[C>T]GTGTGGAAGGCCCTGTGAAGAAACTGCCTGAGGAGGAGGCTGAGTGCTACTTCCACTCCC-3'
Protein context (NP_060599.1, residues 131-151): FYWEPLNRQV[Arg141Cys]VEGPVKKLPE

ClinVar aggregate classification (germline): Pathogenic/Likely pathogenic. Review status: criteria provided, multiple submitters, no conflicts (2 of 4 stars). 3 submissions from 3 submitters: Pathogenic (1); Likely pathogenic (2). Last evaluated 2025-08-26.

Conditions:
Pyridoxal phosphate-responsive seizures (PNPOD). Also called: Pyridoxamine 5-Prime-Phosphate Oxidase Deficiency; Pyridoxine-5'-phosphate oxidase deficiency; EPILEPTIC ENCEPHALOPATHY, NEONATAL, PNPO-RELATED; SEIZURES, PYRIDOXINE-RESISTANT, PLP-SENSITIVE; Pyridoxal 5'-Phosphate (PLP)-Dependent Epilepsy. Identifiers: Orphanet 79096, MedGen C1864723, MONDO:0012407, OMIM 610090. Disease mechanism: loss of function.

Allele frequency attached by ClinVar (database versions not stated): TOPMed below 0.00001; ExAC 0.00003.

Submissions (3):

Women's Health and Genetics/Laboratory Corporation of America, LabCorp
Classification: Likely pathogenic for Pyridoxal phosphate-responsive seizures. Last evaluated: 2025-08-26. Review status: criteria provided, single submitter. Criteria: LabCorp Variant Classification Summary - May 2015. Collection method: clinical testing. Allele origin: germline.
Comment: Variant summary: PNPO c.421C>T (p.Arg141Cys) results in a non-conservative amino acid change located in the Pyridoxamine 5'-phosphate oxidase, putative domain (IPR011576) of the encoded protein sequence. Algorithms developed to predict the effect of missense changes on protein structure and function all suggest that this variant is likely to be disruptive. The variant allele was found at a frequency of 1.6e-05 in 250416 control chromosomes. c.421C>T has been reported in the literature in at-least one individual affected with Pyridoxal 5'-Phosphate-Dependent Epilepsy (example: Plecko_2014). At least two publications report experimental evidence evaluating an impact on protein function (example: Plecko_2014, Barile_2020), finding that the variant results in reduced enzymatic activity and an increased dissociation constant of cofactor binding. The following publications have been ascertained in the context of this evaluation (PMID: 32788630, 24658933). ClinVar contains an entry for this variant (Variation ID: 2138063). Based on the evidence outlined above, the variant was classified as likely pathogenic.

Fulgent Genetics
Classification: Likely pathogenic for Pyridoxal phosphate-responsive seizures. Last evaluated: 2024-04-12. Review status: criteria provided, single submitter. Criteria: ACMG Guidelines, 2015. Collection method: clinical testing. Allele origin: germline.

Labcorp Genetics (formerly Invitae), Labcorp
Classification: Pathogenic for Pyridoxal phosphate-responsive seizures. Last evaluated: 2023-10-16. Review status: criteria provided, single submitter. Criteria: Invitae Variant Classification Sherloc (09022015). Collection method: clinical testing. Allele origin: germline.
Comment: This sequence change replaces arginine, which is basic and polar, with cysteine, which is neutral and slightly polar, at codon 141 of the PNPO protein (p.Arg141Cys). This variant is present in population databases (rs776630880, gnomAD 0.007%). This missense change has been observed in individual(s) with clinical features of PNPO-related conditions (PMID: 24658933). In at least one individual the data is consistent with being in trans (on the opposite chromosome) from a pathogenic variant. ClinVar contains an entry for this variant (Variation ID: 2138063). Advanced modeling of protein sequence and biophysical properties (such as structural, functional, and spatial information, amino acid conservation, physicochemical variation, residue mobility, and thermodynamic stability) has been performed at Invitae for this missense variant, however the output from this modeling did not meet the statistical confidence thresholds required to predict the impact of this variant on PNPO protein function. Experimental studies have shown that this missense change affects PNPO function (PMID: 32788630). This variant disrupts the p.Arg141 amino acid residue in PNPO. Other variant(s) that disrupt this residue have been observed in individuals with PNPO-related conditions (PMID: 24658933, 28929476), which suggests that this may be a clinically significant amino acid residue. For these reasons, this variant has been classified as Pathogenic.

Literature cited by the submitters: PubMed 32788630 (cited by Women's Health and Genetics/Laboratory Corporation of America, LabCorp and Labcorp Genetics (formerly Invitae), Labcorp); PubMed 24658933 (cited by Women's Health and Genetics/Laboratory Corporation of America, LabCorp and Labcorp Genetics (formerly Invitae), Labcorp); PubMed 28929476 (cited by Labcorp Genetics (formerly Invitae), Labcorp).